The following is an entry in ClinVar:

ClinVar aggregate classification (germline): Uncertain significance. Review status: criteria provided, multiple submitters, no conflicts (2 of 4 stars). 2 submissions from 2 submitters: Uncertain significance (2). Last evaluated 2023-03-29.

Conditions:
Hereditary spastic paraplegia 30. Identifiers: Orphanet 101010, MedGen C5235139, MONDO:0012476.
Neuropathy, hereditary sensory, type 2C. Also called: Hereditary sensory and autonomic neuropathy type IIC; KIF1A-Related HSAN2 (HSAN2C). Identifiers: Orphanet 970, MedGen C3280168, MONDO:0013634, OMIM 614213.
Intellectual disability, autosomal dominant 9 (NESCAVS). Also called: NESCAV SYNDROME; KIF1A-Related Neurodevelopmental Disorder. Identifiers: Orphanet 662367, MedGen C5393830, MONDO:0013656, OMIM 614255.

Submissions (2):

Revvity Omics, Revvity
Classification: Uncertain significance. Last evaluated: 2023-03-29. Review status: criteria provided, single submitter. Criteria: ACMG Guidelines, 2015. Collection method: clinical testing. Allele origin: germline.

Labcorp Genetics (formerly Invitae), Labcorp
Classification: Uncertain significance for Hereditary spastic paraplegia 30; Neuropathy, hereditary sensory, type 2C; Intellectual disability, autosomal dominant 9. Last evaluated: 2022-12-21. Review status: criteria provided, single submitter. Criteria: Invitae Variant Classification Sherloc (09022015). Collection method: clinical testing. Allele origin: germline.
Comment: This variant has not been reported in the literature in individuals affected with KIF1A-related conditions. This variant is not present in population databases (gnomAD no frequency). This sequence change falls in intron 19 of the KIF1A gene. It does not directly change the encoded amino acid sequence of the KIF1A protein. It affects a nucleotide within the consensus splice site. Variants that disrupt the consensus splice site are a relatively common cause of aberrant splicing (PMID: 17576681, 9536098). Algorithms developed to predict the effect of sequence changes on RNA splicing suggest that this variant is not likely to affect RNA splicing. In summary, the available evidence is currently insufficient to determine the role of this variant in disease. Therefore, it has been classified as a Variant of Uncertain Significance.

Literature cited by the submitters: PubMed 17576681 (cited by Labcorp Genetics (formerly Invitae), Labcorp); PubMed 9536098 (cited by Labcorp Genetics (formerly Invitae), Labcorp).

NM_001244008.2(KIF1A):c.1949+5G>A

Gene: KIF1A (kinesin family member 1A; minus strand). Cytogenetic location: 2q37.3.
Variant type: single nucleotide variant.
Coding change: c.1949+5G>A on transcript NM_001244008.2 (MANE Select); 5 bases into the intron after coding-DNA position 1949, G replaced by A.
Molecular consequence: intron variant.
Genome position (GRCh38, 1-based): chr2:240,763,161, C>T on the plus strand (G>A on the coding strand, the complement: KIF1A is on the minus strand). VCF-style: chr2-240763161-C-T. GRCh37 (hg19) VCF-style: chr2-241702578-C-T.
Other names: c.1922+5G>A (NM_001379653.1, NM_001379650.1, NM_001379645.1 and 10 more transcripts); c.2024+5G>A (NM_001379635.1, NM_001330290.2, NM_001379646.1 and 2 more transcripts); c.1997+5G>A (NM_001379637.1, NM_001379648.1); c.1949+5G>A (NM_001320705.2, NM_001379638.1, NM_001330289.2).
Identifiers: ClinVar variation 2689308 (VCV002689308.5), dbSNP rs1219571613, ClinGen allele CA540752799.